The following is an entry in ClinVar:

ClinVar aggregate classification (germline): Likely pathogenic. Review status: criteria provided, single submitter (1 of 4 stars). 2 submissions from 2 submitters: Likely pathogenic (1). 1 of the submissions does not count toward it. Last evaluated 2025-11-10.

Conditions:
Zellweger spectrum disorders (ZS). Also called: Zellweger Spectrum Disorder; Zellweger Spectrum; Zellweger syndrome; Zellweger Spectrum Disorder (ZSD). Identifiers: Orphanet 912, MedGen C0043459, MONDO:0019609.
Peroxisome biogenesis disorder 5B (PBD5B). Identifiers: Orphanet 44, MedGen C3542026, MONDO:0013933, OMIM 614867.

Allele frequency attached by ClinVar (database versions not stated): gnomAD exomes below 0.00001.

Submissions (2):

Natera, Inc.
Classification: Likely pathogenic for Zellweger syndrome. Last evaluated: 2025-11-10. Review status: criteria provided, single submitter. Criteria: Natera Variant Classification Schema (03/2026). Collection method: clinical testing. Allele origin: germline.
Comment: The c.865dup variant in PEX2 is a frameshift variant predicted to elongate the protein beyond the termination codon. This variant may result in a truncated or dysfunctional protein product. This variant is rare in the general population with a frequency below the threshold expected for the associated phenotype(s). This variant has been observed in one or more individuals affected with the associated recessive disease, as either homozygous or compound heterozygous with a second variant (PMID: 23430938, 21392394). Additionally, this variant has been observed to segregate in affected family members (PMID: 21392394). Given the available evidence, this variant is classified as Likely Pathogenic.

OMIM
Classification: Pathogenic for PEROXISOME BIOGENESIS DISORDER 5B. Last evaluated: 2012-01-01. Review status: no assertion criteria provided. Collection method: literature only. Allele origin: germline. Not counted in ClinVar's aggregate classification.

Literature cited by the submitters: PubMed 23430938 (cited by Natera, Inc. and OMIM); PubMed 21392394 (cited by Natera, Inc. and OMIM).

NM_000318.3(PEX2):c.865dup (p.Ser289fs)

Gene: PEX2 (peroxisomal biogenesis factor 2; minus strand). Cytogenetic location: 8q21.13.
Variant type: Duplication.
Coding change: c.865dup on transcript NM_000318.3 (MANE Select); coding-DNA position 865, one base duplicated (A; older notation c.865dupA).
Protein change: p.Ser289fs; shifts the reading frame from serine 289.
Molecular consequence: frameshift variant.
Genome position (GRCh38, 1-based): chr8:76,983,314, T duplicated on the plus strand (A on the coding strand, the reverse complement: PEX2 is on the minus strand). VCF-style (leftmost placement, unchanged base first): chr8-76983313-C-CT. GRCh37 (hg19) VCF-style: chr8-77895549-C-CT.
Other names: c.865dup, p.Ser289fs (NM_001079867.2, NM_001172086.2, NM_001172087.2); short protein forms S289fs.
Identifiers: ClinVar variation 162495 (VCV000162495.2), dbSNP rs724160029, ClinGen allele CA175083.
Genomic context (GRCh38, chr8:76,983,313, plus strand): 5'-TTTAGTTTCTAAAGAGCATTTACTTCTGACATCTCGATTCCTGATTTCAGTGGCTGCAGA[C>CT]TGTGTACTTCTGTGCCACACTTAGGACAAGTAAAGTACACGTCAAATAAGAAACTACTCT-3'